The following is an entry in ClinVar:

NM_001267550.2(TTN):c.31533A>G (p.Glu10511=)

Gene: TTN (titin; minus strand). Cytogenetic location: 2q31.2.
Variant type: single nucleotide variant.
Coding change: c.31533A>G on transcript NM_001267550.2 (MANE Select); coding-DNA position 31533, A replaced by G.
Protein change: p.Glu10511=; no amino-acid change (glutamic acid 10511 retained).
Molecular consequence: synonymous variant. On other transcripts: intron variant (3).
Genome position (GRCh38, 1-based): chr2:178,693,670, T>C on the plus strand (A>G on the coding strand, the complement: TTN is on the minus strand). VCF-style: chr2-178693670-T-C. GRCh37 (hg19) VCF-style: chr2-179558397-T-C.
Other names: c.13657+44412A>G (NM_133432.3); c.13858+44412A>G (NM_133437.4); c.30582A>G, p.Glu10194= (NM_001256850.1); c.13282+44412A>G (NM_003319.4); c.27801A>G, p.Glu9267= (NM_133378.4).
Identifiers: ClinVar variation 228078 (VCV000228078.14), dbSNP rs757499228, ClinGen allele CA1998918.

ClinVar aggregate classification (germline): Likely benign. Review status: criteria provided, multiple submitters, no conflicts (2 of 4 stars). 2 submissions from 2 submitters: Likely benign (2). Last evaluated 2024-11-03.

Conditions:
Autosomal recessive limb-girdle muscular dystrophy type 2J (LGMDR10). Also called: Limb-girdle muscular dystrophy, type 2J; MUSCULAR DYSTROPHY, LIMB-GIRDLE, AUTOSOMAL RECESSIVE 10. Identifiers: Orphanet 140922, MedGen C1837342, MONDO:0012127, OMIM 608807.
Dilated cardiomyopathy 1G (CMD1G). Identifiers: Orphanet 154, MedGen C1858763, MONDO:0011400, OMIM 604145.

Allele frequency attached by ClinVar (database versions not stated): gnomAD exomes below 0.00001; ExAC 0.00001; gnomAD 0.00002; TOPMed 0.00003.

Submissions (2):

Labcorp Genetics (formerly Invitae), Labcorp
Classification: Likely benign for Dilated cardiomyopathy 1G; Autosomal recessive limb-girdle muscular dystrophy type 2J. Last evaluated: 2024-11-03. Review status: criteria provided, single submitter. Criteria: Invitae Variant Classification Sherloc (09022015). Collection method: clinical testing. Allele origin: germline.

Laboratory for Molecular Medicine, Mass General Brigham Personalized Medicine
Classification: Likely benign. Last evaluated: 2016-03-02. Review status: criteria provided, single submitter. Criteria: LMM Criteria. Collection method: clinical testing. Allele origin: germline. Observed: 1 variant allele.
Comment: p.Glu9267Glu in exon 116 of TTN: This variant is not expected to have clinical s ignificance because it does not alter an amino acid residue and is not located w ithin the splice consensus sequence. It has been identified in 1/8602 European c hromosomes by the Exome Aggregation Consortium (ExAC .org).